The following is an entry in ClinVar:

NM_001378902.1(ROS1):c.666C>T (p.Val222=)

Gene: ROS1 (ROS proto-oncogene 1, receptor tyrosine kinase; minus strand). Cytogenetic location: 6q22.1.
Variant type: single nucleotide variant.
Coding change: c.666C>T on transcript NM_001378902.1 (MANE Select); coding-DNA position 666, C replaced by T.
Protein change: p.Val222=; no amino-acid change (valine 222 retained).
Molecular consequence: synonymous variant.
Genome position (GRCh38, 1-based): chr6:117,397,055, G>A on the plus strand (C>T on the coding strand, the complement: ROS1 is on the minus strand). VCF-style: chr6-117397055-G-A. GRCh37 (hg19) VCF-style: chr6-117718218-G-A.
Other names: c.666C>T, p.Val222= (NM_001378891.1); c.639C>T, p.Val213= (NM_002944.3).
Identifiers: ClinVar variation 778923 (VCV000778923.12), dbSNP rs61729672, ClinGen allele CA3975803.

ClinVar aggregate classification (germline): Benign/Likely benign. Review status: criteria provided, multiple submitters, no conflicts (2 of 4 stars). 2 submissions from 2 submitters: Benign (1); Likely benign (1). Last evaluated 2025-08-01.

Allele frequency attached by ClinVar (database versions not stated): ESP Exome Variant Server 0.00577; TOPMed 0.00617; 1000 Genomes Project 0.00679; 1000 Genomes Project 30x 0.00718; gnomAD exomes 0.00051 and 0.00146; ExAC 0.00177; gnomAD 0.00512 and 0.00540.
gnomAD v4.1: 1,583 of 1,613,912 alleles (0.098%); highest among the groups gnomAD compares: African/African-American, 1.7%; 8 homozygotes.

Submissions (2):

CeGaT Center for Human Genetics Tuebingen
Classification: Likely benign. Last evaluated: 2025-08-01. Review status: criteria provided, single submitter. Criteria: CeGaT Center For Human Genetics Tuebingen Variant Classification Criteria Version 2. Collection method: clinical testing. Allele origin: germline. Affected: yes. Observed: 1 variant allele.
Comment: ROS1: BP4, BP7, BS1

Labcorp Genetics (formerly Invitae), Labcorp
Classification: Benign. Last evaluated: 2019-12-31. Review status: criteria provided, single submitter. Criteria: Invitae Variant Classification Sherloc (09022015). Collection method: clinical testing. Allele origin: germline.